The following is an entry in ClinVar:

ClinVar aggregate classification (germline): Uncertain significance (1 of 4 stars; one submission).

gnomAD v4.1: 14 of 1,596,140 alleles (0.00088%); highest among the groups gnomAD compares: Admixed American, 0.0034%; no homozygotes.

Submission:

GeneDx
Classification: Uncertain significance. Last evaluated: 2025-03-12. Review status: criteria provided, single submitter. Criteria: GeneDx Variant Classification Process June 2021. Collection method: clinical testing. Allele origin: germline. Affected: yes.
Comment: Not observed at significant frequency in large population cohorts (gnomAD); In silico analysis indicates that this missense variant does not alter protein structure/function; Has not been previously published as pathogenic or benign to our knowledge

NM_016098.4(MPC1):c.29C>G (p.Ala10Gly)

Gene: MPC1 (mitochondrial pyruvate carrier 1; minus strand). Cytogenetic location: 6q27.
Variant type: single nucleotide variant.
Coding change: c.29C>G on transcript NM_016098.4 (MANE Select); coding-DNA position 29, C replaced by G.
Protein change: p.Ala10Gly; replaces alanine 10 with glycine.
Molecular consequence: missense variant. On other transcripts: 5 prime UTR variant (5), non-coding transcript variant (5).
Genome position (GRCh38, 1-based): chr6:166,382,848, G>C on the plus strand (C>G on the coding strand, the complement: MPC1 is on the minus strand). VCF-style: chr6-166382848-G-C. GRCh37 (hg19) VCF-style: chr6-166796336-G-C.
Other names: c.-317C>G (NM_001270879.2); c.-504C>G (NM_001376565.1); c.-97C>G (NM_001376566.1); c.-313C>G (NM_001376567.1); c.-288C>G (NM_001376568.1); c.29C>G, p.Ala10Gly (NM_001376569.1); short protein forms A10G.
Identifiers: ClinVar variation 4083204 (VCV004083204.1).